The following is an entry in ClinVar:

NM_030632.3(ASXL3):c.3457G>T (p.Glu1153Ter)

Gene: ASXL3 (ASXL transcriptional regulator 3; plus strand). Cytogenetic location: 18q12.1.
Variant type: single nucleotide variant.
Coding change: c.3457G>T on transcript NM_030632.3 (MANE Select); coding-DNA position 3457, G replaced by T.
Protein change: p.Glu1153Ter; replaces glutamic acid 1153 with a stop codon.
Molecular consequence: nonsense.
Genome position (GRCh38, 1-based): chr18:33,743,305, G>T. VCF-style: chr18-33743305-G-T. GRCh37 (hg19) VCF-style: chr18-31323269-G-T.
Other names: NM_030632.3:c.3457G>T; short protein forms E1153*.
Identifiers: ClinVar variation 3075960 (VCV003075960.2), dbSNP rs2510925319, ClinGen allele CA402185377.

ClinVar aggregate classification (germline): Likely pathogenic. Review status: criteria provided, multiple submitters, no conflicts (2 of 4 stars). 2 submissions from 2 submitters: Likely pathogenic (2). Last evaluated 2026-03-02.

Conditions:
Bainbridge-Ropers syndrome. Also called: Severe feeding difficulties-failure to thrive-microcephaly due to ASXL3 deficiency syndrome. Identifiers: Orphanet 352577, MedGen C4750837, MONDO:0014205, OMIM 615485.
Rare syndromic intellectual disability. Identifiers: Orphanet 102369, MedGen C5681780.

Submissions (2):

Broad Center for Mendelian Genomics, Broad Institute of MIT and Harvard
Classification: Likely pathogenic for Bainbridge-Ropers syndrome. Last evaluated: 2026-03-02. Review status: criteria provided, single submitter. Criteria: ACMG Guidelines, 2015. Collection method: research. Allele origin: germline. Inheritance: Autosomal dominant inheritance.
Comment: The p.Glu1153Ter variant in ASXL3 has not been previously reported in the literature in individuals with Bainbridge-Ropers syndrome and was absent from large population studies. This nonsense variant leads to a premature termination codon at position 1153. This alteration occurs within the last exon and is more likely to escape nonsense mediated decay (NMD) and result in a truncated protein. Truncating variants downstream of this variant are pathogenic/likely pathogenic, which implies this region is critical to protein function. Heterozygous loss of function of the ASXL3 gene is an established disease mechanism in Bainbridge-Ropers syndrome. In summary, although additional studies are required to fully establish its clinical significance, this variant is likely pathogenic for autosomal dominant Bainbridge-Ropers syndrome. ACMG/AMP Criteria applied: PVS1, PM2_supporting (Richards 2015).

Laboratory for Molecular Medicine, Mass General Brigham Personalized Medicine
Classification: Likely pathogenic for Rare syndromic intellectual disability. Last evaluated: 2023-10-11. Review status: criteria provided, single submitter. Criteria: ACMG Guidelines, 2015. Collection method: clinical testing. Allele origin: germline. Inheritance: Autosomal dominant inheritance.
Comment: The p.Glu1153X variant in ASXL3 has not been previously reported in individuals with Bainbridge-Ropers syndrome (BRPS) and was absent from large population studies. This nonsense variant leads to a premature termination codon at position 1153. This alteration occurs within the last exon and is, therefore, likely to escape nonsense mediated decay (NMD) and result in a truncated protein with removal of 1096 out of 2248 amino acids (49% of the protein). Truncating variants in the last and penultimate exons are associated with BRPS; although, it is unclear if the mechanism is dominant negative or loss of function (Schirwani 2021; PMID 34436830). In summary, although additional studies are required to fully establish its clinical significance, this variant meets criteria to be classified as likely pathogenic for autosomal dominant BRPS. ACMG/AMP Criteria applied: PVS1, PM2_Supporting.